The following is an entry in ClinVar:

ClinVar aggregate classification (germline): Uncertain significance (1 of 4 stars; one submission).

gnomAD v4.1: 34 of 1,607,632 alleles (0.0021%); highest among the groups gnomAD compares: South Asian, 0.037%; 2 homozygotes.

Submission:

Labcorp Genetics (formerly Invitae), Labcorp
Classification: Uncertain significance. Last evaluated: 2025-12-15. Review status: criteria provided, single submitter. Criteria: Invitae Variant Classification Sherloc (09022015). Collection method: clinical testing. Allele origin: germline.
Comment: This sequence change replaces alanine, which is neutral and non-polar, with serine, which is neutral and polar, at codon 495 of the NFKB1 protein (p.Ala495Ser). This variant is present in population databases (rs753234250, gnomAD 0.02%). This variant has not been reported in the literature in individuals affected with NFKB1-related conditions. Invitae Evidence Modeling of protein sequence and biophysical properties (such as structural, functional, and spatial information, amino acid conservation, physicochemical variation, residue mobility, and thermodynamic stability) indicates that this missense variant is not expected to disrupt NFKB1 protein function with a negative predictive value of 80%. In summary, the available evidence is currently insufficient to determine the role of this variant in disease. Therefore, it has been classified as a Variant of Uncertain Significance.

NM_003998.4(NFKB1):c.1483G>T (p.Ala495Ser)

Gene: NFKB1 (nuclear factor kappa B subunit 1; plus strand). Cytogenetic location: 4q24.
Variant type: single nucleotide variant.
Coding change: c.1483G>T on transcript NM_003998.4 (MANE Select); coding-DNA position 1483, G replaced by T.
Protein change: p.Ala495Ser; replaces alanine 495 with serine.
Molecular consequence: missense variant.
Genome position (GRCh38, 1-based): chr4:102,596,320, G>T. VCF-style: chr4-102596320-G-T. GRCh37 (hg19) VCF-style: chr4-103517477-G-T.
Other names: c.1480G>T, p.Ala494Ser (NM_001165412.2, NM_001319226.2, NM_001382627.1); c.1483G>T, p.Ala495Ser (NM_001382625.1, NM_001382626.1); c.1441G>T, p.Ala481Ser (NM_001382628.1); short protein forms A494S, A495S, A481S.
Identifiers: ClinVar variation 4778254 (VCV004778254.1).